The following is an entry in ClinVar:

ClinVar aggregate classification (germline): Uncertain significance (1 of 4 stars; one submission).

Submission:

GeneDx
Classification: Uncertain significance. Last evaluated: 2022-05-05. Review status: criteria provided, single submitter. Criteria: GeneDx Variant Classification Process June 2021. Collection method: clinical testing. Allele origin: germline. Affected: yes.
Comment: Not observed at significant frequency in large population cohorts (gnomAD); In silico analysis supports that this missense variant does not alter protein structure/function; Has not been previously published as pathogenic or benign to our knowledge

NM_000937.5(POLR2A):c.517G>C (p.Glu173Gln)

Gene: POLR2A (RNA polymerase II subunit A; plus strand). Cytogenetic location: 17p13.1.
Variant type: single nucleotide variant.
Coding change: c.517G>C on transcript NM_000937.5 (MANE Select); coding-DNA position 517, G replaced by C.
Protein change: p.Glu173Gln; replaces glutamic acid 173 with glutamine.
Molecular consequence: missense variant.
Genome position (GRCh38, 1-based): chr17:7,496,593, G>C. VCF-style: chr17-7496593-G-C. GRCh37 (hg19) VCF-style: chr17-7399912-G-C.
Other names: short protein forms E173Q.
Identifiers: ClinVar variation 1722877 (VCV001722877.2), dbSNP rs2508105431, ClinGen allele CA397860097.
Genomic context (GRCh38, chr17:7,496,593, plus strand): 5'-ATATGCGAGGGTGGGGAGGAGATGGACAACAAGTTCGGTGTGGAACAACCTGAGGGTGAC[G>C]AGGATCTGACCAAAGAAAAGGTGGCTGGGGCTGGCGGAGACTTTTGGGAAGGAGGGGTCA-3'
Protein context (NP_000928.1, residues 163-183): KFGVEQPEGD[Glu173Gln]DLTKEKGHGG